The following is an entry in ClinVar:

ClinVar aggregate classification (germline): Uncertain significance. Review status: criteria provided, multiple submitters, no conflicts (2 of 4 stars). 2 submissions from 2 submitters: Uncertain significance (2). Last evaluated 2024-03-21.

Conditions:
Fanconi anemia (FA). Also called: Fanconi's anemia. Identifiers: Orphanet 84, MedGen C0015625, MeSH D005199, MONDO:0019391.

Allele frequency attached by ClinVar (database versions not stated): gnomAD 0.00001.
gnomAD v4.1: 2 of 1,613,980 alleles (0.00012%); highest among the groups gnomAD compares: East Asian, 0.0045%; no homozygotes.

Submissions (2):

Women's Health and Genetics/Laboratory Corporation of America, LabCorp
Classification: Uncertain significance. Last evaluated: 2024-03-21. Review status: criteria provided, single submitter. Criteria: LabCorp Variant Classification Summary - May 2015. Collection method: clinical testing. Allele origin: germline.
Comment: Variant summary: FANCA c.4291G>C (p.Glu1431Gln) results in a conservative amino acid change in the encoded protein sequence. Four of five in-silico tools predict a damaging effect of the variant on protein function. The variant was absent in 249232 control chromosomes. c.4291G>C has been reported in the literature as a homozygous genotype in at-least one individual with a clinical diagnosis of Fanconi Anemia (example, Shahid_2019 cited in Thompson_2021). These data indicate that the variant may be associated with disease. To our knowledge, no experimental evidence demonstrating an impact on protein function has been reported. The following publications have been ascertained in the context of this evaluation (PMID: 30809872, 33960719). ClinVar contains an entry for this variant (Variation ID: 580557). Based on the evidence outlined above, the variant was classified as VUS-possibly pathogenic.

Labcorp Genetics (formerly Invitae), Labcorp
Classification: Uncertain significance for Fanconi anemia. Last evaluated: 2022-01-27. Review status: criteria provided, single submitter. Criteria: Invitae Variant Classification Sherloc (09022015). Collection method: clinical testing. Allele origin: germline.
Comment: This variant has not been reported in the literature in individuals affected with FANCA-related conditions. In summary, the available evidence is currently insufficient to determine the role of this variant in disease. Therefore, it has been classified as a Variant of Uncertain Significance. Algorithms developed to predict the effect of missense changes on protein structure and function are either unavailable or do not agree on the potential impact of this missense change (SIFT: "Deleterious"; PolyPhen-2: "Benign"; Align-GVGD: "Class C0"). ClinVar contains an entry for this variant (Variation ID: 580557). This variant is not present in population databases (gnomAD no frequency). This sequence change replaces glutamic acid, which is acidic and polar, with glutamine, which is neutral and polar, at codon 1431 of the FANCA protein (p.Glu1431Gln).

Literature cited by the submitters: PubMed 30809872 (cited by Women's Health and Genetics/Laboratory Corporation of America, LabCorp); PubMed 33960719 (cited by Women's Health and Genetics/Laboratory Corporation of America, LabCorp).

NM_000135.4(FANCA):c.4291G>C (p.Glu1431Gln)

Genes: FANCA (FA complementation group A; minus strand), ZNF276 (zinc finger protein 276; plus strand). Cytogenetic location: 16q24.3.
Variant type: single nucleotide variant.
Coding change: c.4291G>C on transcript NM_000135.4 (MANE Select); coding-DNA position 4291, G replaced by C.
Protein change: p.Glu1431Gln; replaces glutamic acid 1431 with glutamine.
Molecular consequence: missense variant. On other transcripts: 3 prime UTR variant (3), non-coding transcript variant (4).
Genome position (GRCh38, 1-based): chr16:89,738,678, C>G on the plus strand (G>C on the coding strand, the complement: FANCA is on the minus strand). VCF-style: chr16-89738678-C-G. GRCh37 (hg19) VCF-style: chr16-89805086-C-G.
Other names: c.*20G>C (NM_001286167.3); c.*432C>G (NM_001113525.2, NM_152287.4); short protein forms E1431Q.
Identifiers: ClinVar variation 580557 (VCV000580557.10), dbSNP rs1567591125, ClinGen allele CA397483101.